The following is an entry in ClinVar:

ClinVar aggregate classification (germline): Uncertain significance (1 of 4 stars; one submission).

Allele frequency attached by ClinVar (database versions not stated): gnomAD 0.00002; gnomAD exomes 0.00002 and 0.00005; TOPMed 0.00002; ExAC 0.00003; ESP Exome Variant Server 0.00008.
gnomAD v4.1: 30 of 1,614,112 alleles (0.0019%); highest among the groups gnomAD compares: Non-Finnish European, 0.000085%; no homozygotes.

Submission:

Labcorp Genetics (formerly Invitae), Labcorp
Classification: Uncertain significance. Last evaluated: 2021-05-31. Review status: criteria provided, single submitter. Criteria: Invitae Variant Classification Sherloc (09022015). Collection method: clinical testing. Allele origin: germline.
Comment: This sequence change replaces lysine with glutamic acid at codon 552 of the TRPM1 protein (p.Lys552Glu). The lysine residue is moderately conserved and there is a small physicochemical difference between lysine and glutamic acid. This variant is present in population databases (rs377696619, ExAC 0.006%). This variant has not been reported in the literature in individuals with TRPM1-related conditions. Algorithms developed to predict the effect of missense changes on protein structure and function are either unavailable or do not agree on the potential impact of this missense change (SIFT: "Deleterious"; PolyPhen-2: "Probably Damaging"; Align-GVGD: "Class C0"). In summary, the available evidence is currently insufficient to determine the role of this variant in disease. Therefore, it has been classified as a Variant of Uncertain Significance.

NM_001252024.2(TRPM1):c.1720A>G (p.Lys574Glu)

Gene: TRPM1 (transient receptor potential cation channel subfamily M member 1; minus strand). Cytogenetic location: 15q13.3.
Variant type: single nucleotide variant.
Coding change: c.1720A>G on transcript NM_001252024.2 (MANE Select); coding-DNA position 1720, A replaced by G.
Protein change: p.Lys574Glu; replaces lysine 574 with glutamic acid.
Molecular consequence: missense variant.
Genome position (GRCh38, 1-based): chr15:31,047,155, T>C on the plus strand (A>G on the coding strand, the complement: TRPM1 is on the minus strand). VCF-style: chr15-31047155-T-C. GRCh37 (hg19) VCF-style: chr15-31339358-T-C.
Other names: c.1771A>G, p.Lys591Glu (NM_001252020.2); c.1654A>G, p.Lys552Glu (NM_002420.6); short protein forms K552E, K574E, K591E.
Identifiers: ClinVar variation 1484955 (VCV001484955.8), dbSNP rs377696619, ClinGen allele CA7452461.
Genomic context (GRCh38, chr15:31,047,155, plus strand): 5'-AGGCACTGAGTTCTACCCTCTTTGGTCCAAACAAGTTGTTGTAAAGGGTCCGAAAGTTTT[T>C]CCGAGTGTAGTTGCAGCGGTAGGCTCCTCCCATGAGGTACTCCAGCACGAGCCCGATGTC-3'
Protein context (NP_001238953.1, residues 564-584): GGAYRCNYTR[Lys574Glu]NFRTLYNNLF